The following is an entry in ClinVar:

NM_006231.4(POLE):c.6550C>T (p.Gln2184Ter)

Gene: POLE (DNA polymerase epsilon, catalytic subunit; minus strand). Cytogenetic location: 12q24.33.
Variant type: single nucleotide variant.
Coding change: c.6550C>T on transcript NM_006231.4 (MANE Select); coding-DNA position 6550, C replaced by T.
Protein change: p.Gln2184Ter; replaces glutamine 2184 with a stop codon.
Molecular consequence: nonsense.
Genome position (GRCh38, 1-based): chr12:132,625,752, G>A on the plus strand (C>T on the coding strand, the complement: POLE is on the minus strand). VCF-style: chr12-132625752-G-A. GRCh37 (hg19) VCF-style: chr12-133202338-G-A.
Other names: short protein forms Q2184*.
Identifiers: ClinVar variation 4708858 (VCV004708858.1).

ClinVar aggregate classification (germline): Pathogenic (1 of 4 stars; one submission).

Submission:

Labcorp Genetics (formerly Invitae), Labcorp
Classification: Pathogenic. Last evaluated: 2025-09-10. Review status: criteria provided, single submitter. Criteria: Invitae Variant Classification Sherloc (09022015). Collection method: clinical testing. Allele origin: germline.
Comment: This sequence change creates a premature translational stop signal (p.Gln2184*) in the POLE gene. It is expected to result in an absent or disrupted protein product. Loss-of-function variants in POLE are known to be pathogenic (PMID: 23230001, 25948378, 30503519). This variant is not present in population databases (gnomAD no frequency). This variant has not been reported in the literature in individuals affected with POLE-related conditions. For these reasons, this variant has been classified as Pathogenic.

Literature cited by the submitters: PubMed 23230001; PubMed 25948378; PubMed 30503519.